The following is an entry in ClinVar:

NM_004064.5(CDKN1B):c.194A>T (p.Gln65Leu)

Gene: CDKN1B (cyclin dependent kinase inhibitor 1B; plus strand). Cytogenetic location: 12p13.1.
Variant type: single nucleotide variant.
Coding change: c.194A>T on transcript NM_004064.5 (MANE Select); coding-DNA position 194, A replaced by T.
Protein change: p.Gln65Leu; replaces glutamine 65 with leucine.
Molecular consequence: missense variant.
Genome position (GRCh38, 1-based): chr12:12,718,033, A>T. VCF-style: chr12-12718033-A-T. GRCh37 (hg19) VCF-style: chr12-12870967-A-T.
Other names: short protein forms Q65L.
Identifiers: ClinVar variation 1377997 (VCV001377997.9), dbSNP rs1592280892, ClinGen allele CA383969415.

ClinVar aggregate classification (germline): Uncertain significance. Review status: criteria provided, multiple submitters, no conflicts (2 of 4 stars). 2 submissions from 2 submitters: Uncertain significance (2). Last evaluated 2024-12-31.

Conditions:
Multiple endocrine neoplasia type 4. Also called: MULTIPLE ENDOCRINE NEOPLASIA, TYPE IV. Identifiers: Orphanet 276152, MedGen C1970712, MONDO:0012552, OMIM 610755.
Hereditary cancer-predisposing syndrome. Also called: Tumor predisposition; Hereditary neoplastic syndrome; Neoplastic Syndromes, Hereditary; Hereditary Cancer Syndrome. Identifiers: Orphanet 140162, MedGen C0027672, MeSH D009386, MONDO:0015356.

Submissions (2):

Ambry Genetics
Classification: Uncertain significance for Hereditary cancer-predisposing syndrome. Last evaluated: 2024-12-31. Review status: criteria provided, single submitter. Criteria: Ambry Variant Classification Scheme 2023. Collection method: clinical testing. Allele origin: germline.
Comment: The p.Q65L variant (also known as c.194A>T), located in coding exon 1 of the CDKN1B gene, results from an A to T substitution at nucleotide position 194. The glutamine at codon 65 is replaced by leucine, an amino acid with dissimilar properties. This amino acid position is not well conserved in available vertebrate species. In addition, this alteration is predicted to be tolerated by in silico analysis. Based on the available evidence, the clinical significance of this variant remains unclear.

Labcorp Genetics (formerly Invitae), Labcorp
Classification: Uncertain significance for Multiple endocrine neoplasia type 4. Last evaluated: 2023-07-25. Review status: criteria provided, single submitter. Criteria: Invitae Variant Classification Sherloc (09022015). Collection method: clinical testing. Allele origin: germline.
Comment: In summary, the available evidence is currently insufficient to determine the role of this variant in disease. Therefore, it has been classified as a Variant of Uncertain Significance. An algorithm developed to predict the effect of missense changes on protein structure and function (PolyPhen-2) suggests that this variant is likely to be tolerated. ClinVar contains an entry for this variant (Variation ID: 1377997). This variant has not been reported in the literature in individuals affected with CDKN1B-related conditions. This variant is not present in population databases (gnomAD no frequency). This sequence change replaces glutamine, which is neutral and polar, with leucine, which is neutral and non-polar, at codon 65 of the CDKN1B protein (p.Gln65Leu).